The following is an entry in ClinVar:

ClinVar aggregate classification (germline): Uncertain significance (1 of 4 stars; one submission).

Submission:

Labcorp Genetics (formerly Invitae), Labcorp
Classification: Uncertain significance. Last evaluated: 2025-08-17. Review status: criteria provided, single submitter. Criteria: Invitae Variant Classification Sherloc (09022015). Collection method: clinical testing. Allele origin: germline.
Comment: This sequence change replaces histidine, which is basic and polar, with proline, which is neutral and non-polar, at codon 212 of the WDR11 protein (p.His212Pro). This variant is not present in population databases (gnomAD no frequency). This variant has not been reported in the literature in individuals affected with WDR11-related conditions. An algorithm developed to predict the effect of missense changes on protein structure and function (PolyPhen-2) suggests that this variant is likely to be disruptive. In summary, the available evidence is currently insufficient to determine the role of this variant in disease. Therefore, it has been classified as a Variant of Uncertain Significance.

NM_018117.12(WDR11):c.635A>C (p.His212Pro)

Gene: WDR11 (WD repeat domain 11; plus strand). Cytogenetic location: 10q26.12.
Variant type: single nucleotide variant.
Coding change: c.635A>C on transcript NM_018117.12 (MANE Select); coding-DNA position 635, A replaced by C.
Protein change: p.His212Pro; replaces histidine 212 with proline.
Molecular consequence: missense variant.
Genome position (GRCh38, 1-based): chr10:120,862,843, A>C. VCF-style: chr10-120862843-A-C. GRCh37 (hg19) VCF-style: chr10-122622355-A-C.
Other names: short protein forms H212P.
Identifiers: ClinVar variation 4767460 (VCV004767460.1).